The following is an entry in ClinVar:

NM_001374353.1(GLI2):c.196A>G (p.Met66Val)

Gene: GLI2 (GLI family zinc finger 2; plus strand). Cytogenetic location: 2q14.2.
Variant type: single nucleotide variant.
Coding change: c.196A>G on transcript NM_001374353.1 (MANE Select); coding-DNA position 196, A replaced by G.
Protein change: p.Met66Val; replaces methionine 66 with valine.
Molecular consequence: missense variant. On other transcripts: intron variant (1).
Genome position (GRCh38, 1-based): chr2:120,927,408, A>G. VCF-style: chr2-120927408-A-G. GRCh37 (hg19) VCF-style: chr2-121684984-A-G.
Other names: c.196A>G, p.Met66Val (NM_001371271.1, NM_005270.5); c.-121-23835A>G (NM_001374354.1); c.196A>G (NM_005270.4); short protein forms M66V.
Identifiers: ClinVar variation 598007 (VCV000598007.10), dbSNP rs768282760, ClinGen allele CA1851450.

ClinVar aggregate classification (germline): Uncertain significance. Review status: criteria provided, multiple submitters, no conflicts (2 of 4 stars). 4 submissions from 4 submitters: Uncertain significance (4). Last evaluated 2025-07-01.

Conditions:
Inborn genetic diseases. Identifiers: MedGen C0950123, MeSH D030342.
Postaxial polydactyly-anterior pituitary anomalies-facial dysmorphism syndrome. Also called: Culler-Jones syndrome. Identifiers: Orphanet 420584, MedGen C4014479, MONDO:0014369, OMIM 615849.
Holoprosencephaly 9 (HPE9). Also called: PITUITARY ANOMALIES WITH HOLOPROSENCEPHALY-LIKE FEATURES; HOLOPROSENCEPHALY WITH MICROPHTHALMIA AND FIRST BRANCHIAL ARCH ANOMALIES. Identifiers: Orphanet 2162, MedGen C1835819, MONDO:0012563, OMIM 610829.

Allele frequency attached by ClinVar (database versions not stated): gnomAD exomes 0.00002 and 0.00001; ExAC 0.00001; gnomAD 0.00001; TOPMed below 0.00001.
gnomAD v4.1: 33 of 1,613,860 alleles (0.002%); highest among the groups gnomAD compares: East Asian, 0.0045%; no homozygotes.

Submissions (4):

Women's Health and Genetics/Laboratory Corporation of America, LabCorp
Classification: Uncertain significance. Last evaluated: 2025-07-01. Review status: criteria provided, single submitter. Criteria: LabCorp Variant Classification Summary - May 2015. Collection method: clinical testing. Allele origin: germline.
Comment: Variant summary: GLI2 c.196A>G (p.Met66Val) results in a conservative amino acid change in the encoded protein sequence. Algorithms developed to predict the effect of missense changes on protein structure and function are either unavailable or do not agree on the potential impact of this missense change. The variant allele was found at a frequency of 8e-06 in 251496 control chromosomes (gnomAD). The available data on variant occurrences in the general population are insufficient to allow any conclusion about variant significance. To our knowledge, no occurrence of c.196A>G in individuals affected with GLI2-Related Disorders and no experimental evidence demonstrating its impact on protein function have been reported. ClinVar contains an entry for this variant (Variation ID: 598007). Based on the evidence outlined above, the variant was classified as uncertain significance.

Ambry Genetics
Classification: Uncertain significance for Inborn genetic diseases. Last evaluated: 2025-03-05. Review status: criteria provided, single submitter. Criteria: Ambry Variant Classification Scheme 2023. Collection method: clinical testing. Allele origin: germline.

Labcorp Genetics (formerly Invitae), Labcorp
Classification: Uncertain significance for Postaxial polydactyly-anterior pituitary anomalies-facial dysmorphism syndrome; Holoprosencephaly 9. Last evaluated: 2024-07-10. Review status: criteria provided, single submitter. Criteria: Invitae Variant Classification Sherloc (09022015). Collection method: clinical testing. Allele origin: germline.
Comment: This sequence change replaces methionine, which is neutral and non-polar, with valine, which is neutral and non-polar, at codon 66 of the GLI2 protein (p.Met66Val). This variant is present in population databases (rs768282760, gnomAD 0.002%). This variant has not been reported in the literature in individuals affected with GLI2-related conditions. ClinVar contains an entry for this variant (Variation ID: 598007). An algorithm developed to predict the effect of missense changes on protein structure and function (PolyPhen-2) suggests that this variant is likely to be tolerated. In summary, the available evidence is currently insufficient to determine the role of this variant in disease. Therefore, it has been classified as a Variant of Uncertain Significance.

Eurofins Ntd Llc (ga)
Classification: Uncertain significance. Last evaluated: 2018-08-03. Review status: criteria provided, single submitter. Criteria: EGL ClinVar v180209 classification definitions. Collection method: clinical testing. Allele origin: germline. Observed: 2 variant alleles, 2 heterozygotes.